The following is an entry in ClinVar:

NM_014319.5(LEMD3):c.1550G>A (p.Gly517Glu)

Gene: LEMD3 (LEM domain containing 3; plus strand). Cytogenetic location: 12q14.3.
Variant type: single nucleotide variant.
Coding change: c.1550G>A on transcript NM_014319.5 (MANE Select); coding-DNA position 1550, G replaced by A.
Protein change: p.Gly517Glu; replaces glycine 517 with glutamic acid.
Molecular consequence: missense variant.
Genome position (GRCh38, 1-based): chr12:65,210,953, G>A. VCF-style: chr12-65210953-G-A. GRCh37 (hg19) VCF-style: chr12-65604733-G-A.
Other names: c.1547G>A, p.Gly516Glu (NM_001167614.2); short protein forms G517E, G516E.
Identifiers: ClinVar variation 4766320 (VCV004766320.1).
Genomic context (GRCh38, chr12:65,210,953, plus strand): 5'-GCTAATACTTGTCTTTTTTTCCTTCCTTGATAGTAGAAAACCCCTTTGGTGAAACATTTG[G>A]AAAAATACAAGTAAGTAAACGATCATAATACTGATAATTTTGTGTCATGTTTTATATGAT-3'
Protein context (NP_055134.2, residues 507-527): SIENPFGETF[Gly517Glu]KIQESEKTLM

ClinVar aggregate classification (germline): Uncertain significance (1 of 4 stars; one submission).

gnomAD v4.1: 5 of 1,592,152 alleles (0.00031%); highest among the groups gnomAD compares: Admixed American, 0.0067%; no homozygotes.

Submission:

Labcorp Genetics (formerly Invitae), Labcorp
Classification: Uncertain significance. Last evaluated: 2025-04-23. Review status: criteria provided, single submitter. Criteria: Invitae Variant Classification Sherloc (09022015). Collection method: clinical testing. Allele origin: germline.
Comment: This sequence change replaces glycine, which is neutral and non-polar, with glutamic acid, which is acidic and polar, at codon 517 of the LEMD3 protein (p.Gly517Glu). This variant is present in population databases (no rsID available, gnomAD 0.009%). This variant has not been reported in the literature in individuals affected with LEMD3-related conditions. Invitae Evidence Modeling of protein sequence and biophysical properties (such as structural, functional, and spatial information, amino acid conservation, physicochemical variation, residue mobility, and thermodynamic stability) indicates that this missense variant is not expected to disrupt LEMD3 protein function with a negative predictive value of 80%. In summary, the available evidence is currently insufficient to determine the role of this variant in disease. Therefore, it has been classified as a Variant of Uncertain Significance.